The following is an entry in ClinVar:

NM_001291415.2(KDM6A):c.1757C>G (p.Pro586Arg)

Gene: KDM6A (lysine demethylase 6A; plus strand). Cytogenetic location: Xp11.3.
Variant type: single nucleotide variant.
Coding change: c.1757C>G on transcript NM_001291415.2 (MANE Select); coding-DNA position 1757, C replaced by G.
Protein change: p.Pro586Arg; replaces proline 586 with arginine.
Molecular consequence: missense variant. On other transcripts: non-coding transcript variant (1).
Genome position (GRCh38, 1-based): chrX:45,063,495, C>G. VCF-style: chrX-45063495-C-G. GRCh37 (hg19) VCF-style: chrX-44922740-C-G.
Other names: c.1622C>G, p.Pro541Arg (NM_001291416.2); c.1466C>G, p.Pro489Arg (NM_001291417.2); c.1364C>G, p.Pro455Arg (NM_001291418.2); c.713C>G, p.Pro238Arg (NM_001291421.2); c.1601C>G, p.Pro534Arg (NM_021140.4); short protein forms P238R, P455R, P489R, P534R, P541R, P586R.
Identifiers: ClinVar variation 1315015 (VCV001315015.2), dbSNP rs1382986470, ClinGen allele CA412788070.

ClinVar aggregate classification (germline): Uncertain significance (1 of 4 stars; one submission).

Allele frequency attached by ClinVar (database versions not stated): gnomAD exomes below 0.00001 and 0.00001.
gnomAD v4.1: 1 of 1,210,748 alleles (0.000083%); highest among the groups gnomAD compares: Admixed American, 0.0022%; no homozygotes.

Submission:

GeneDx
Classification: Uncertain significance. Last evaluated: 2020-02-04. Review status: criteria provided, single submitter. Criteria: GeneDx Variant Classification Process June 2021. Collection method: clinical testing. Allele origin: germline. Affected: yes.
Comment: In silico analysis supports that this missense variant has a deleterious effect on protein structure/function; Has not been previously published as pathogenic or benign to our knowledge